The following is an entry in ClinVar:

NM_006904.7(PRKDC):c.4136C>A (p.Pro1379His)

Gene: PRKDC (protein kinase, DNA-activated, catalytic subunit; minus strand). Cytogenetic location: 8q11.21.
Variant type: single nucleotide variant.
Coding change: c.4136C>A on transcript NM_006904.7 (MANE Select); coding-DNA position 4136, C replaced by A.
Protein change: p.Pro1379His; replaces proline 1379 with histidine.
Molecular consequence: missense variant.
Genome position (GRCh38, 1-based): chr8:47,889,158, G>T on the plus strand (C>A on the coding strand, the complement: PRKDC is on the minus strand). VCF-style: chr8-47889158-G-T. GRCh37 (hg19) VCF-style: chr8-48801719-G-T.
Other names: c.4136C>A, p.Pro1379His (NM_001081640.2); short protein forms P1379H.
Identifiers: ClinVar variation 1738115 (VCV001738115.2), dbSNP rs2089401106, ClinGen allele CA371146879.

ClinVar aggregate classification (germline): Uncertain significance (1 of 4 stars; one submission).

Submission:

Ambry Genetics
Classification: Uncertain significance. Last evaluated: 2022-03-04. Review status: criteria provided, single submitter. Criteria: Ambry Variant Classification Scheme 2023. Collection method: clinical testing. Allele origin: germline.
Comment: The p.P1379H variant (also known as c.4136C>A), located in coding exon 33 of the PRKDC gene, results from a C to A substitution at nucleotide position 4136. The proline at codon 1379 is replaced by histidine, an amino acid with similar properties. This amino acid position is conserved. Since supporting evidence is limited at this time, the clinical significance of this alteration remains unclear.